The following is an entry in ClinVar:

ClinVar aggregate classification (germline): Benign (1 of 4 stars; one submission).

Allele frequency attached by ClinVar (database versions not stated): gnomAD exomes 0.09259; 1000 Genomes Project 0.10044; 1000 Genomes Project 30x 0.10322; gnomAD 0.11362 and 0.11629; TOPMed 0.11505.
gnomAD v4.1: 89,997 of 935,376 alleles (9.6%); highest among the groups gnomAD compares: African/African-American, 16%; 4,876 homozygotes.

Submission:

GeneDx
Classification: Benign. Last evaluated: 2018-06-15. Review status: criteria provided, single submitter. Criteria: GeneDx Variant Classification (06012015). Collection method: clinical testing. Allele origin: germline. Affected: yes.
Comment: This variant is considered likely benign or benign based on one or more of the following criteria: it is a conservative change, it occurs at a poorly conserved position in the protein, it is predicted to be benign by multiple in silico algorithms, and/or has population frequency not consistent with disease.

NM_001943.5(DSG2):c.1280+149G>A

Gene: DSG2 (desmoglein 2; plus strand). Cytogenetic location: 18q12.1.
Variant type: single nucleotide variant.
Coding change: c.1280+149G>A on transcript NM_001943.5 (MANE Select); 149 bases into the intron after coding-DNA position 1280, G replaced by A.
Molecular consequence: intron variant.
Genome position (GRCh38, 1-based): chr18:31,531,401, G>A. VCF-style: chr18-31531401-G-A. GRCh37 (hg19) VCF-style: chr18-29111364-G-A.
Identifiers: ClinVar variation 672127 (VCV000672127.1), dbSNP rs12326068, ClinGen allele CA297737227.